The following is an entry in ClinVar:

NM_001267550.2(TTN):c.61447_61449del (p.Arg20483del)

Genes: TTN (titin; minus strand), TTN-AS1 (TTN antisense RNA 1; plus strand). Cytogenetic location: 2q31.2.
Variant type: Deletion.
Coding change: c.61447_61449del on transcript NM_001267550.2 (MANE Select); coding-DNA positions 61447 to 61449, 3 bases deleted (CGT; older notation c.61447_61449delCGT).
Protein change: p.Arg20483del; deletes arginine 20483.
Molecular consequence: inframe deletion.
Genome position (GRCh38, 1-based): chr2:178,590,276-178,590,278, ACG deleted on the plus strand (CGT on the coding strand, the reverse complement: TTN is on the minus strand); deleting any 3 consecutive bases within chr2:178,590,276-178,590,280 gives the same sequence; the c. name uses the placement nearest the transcript's 3' end. VCF-style (leftmost placement, unchanged base first): chr2-178590275-CACG-C. GRCh37 (hg19) VCF-style: chr2-179455002-CACG-C.
Other names: c.61447_61449delCGT (NM_001267550.2); c.56524_56526del, p.Arg18842del (NM_001256850.1); c.34252_34254del, p.Arg11418del (NM_003319.4); c.53743_53745del, p.Arg17915del (NM_133378.4); c.34627_34629del, p.Arg11543del (NM_133432.3); c.34828_34830del, p.Arg11610del (NM_133437.4); c.61445_61447delGTC (NM_001267550.2); short protein forms R11418del, R11543del, R11610del, R17915del, R18842del, R20483del.
Identifiers: ClinVar variation 978283 (VCV000978283.4), dbSNP rs775343508, ClinGen allele CA1992367.

ClinVar aggregate classification (germline): Uncertain significance. Review status: criteria provided, multiple submitters, no conflicts (2 of 4 stars). 3 submissions from 2 submitters: Uncertain significance (3). Last evaluated 2025-07-08.

Conditions:
Conduction disorder of the heart. Also called: Cardiac conduction defect. Identifiers: Orphanet 871, MedGen C0264886, MONDO:0100042, OMIM 115080.
TTN-related disorder. Also called: TTN-related condition; TTN-related disease; TTN-related disorders.
Cardiovascular phenotype. Identifiers: MedGen CN230736.

Submissions (3):

PreventionGenetics, part of Exact Sciences
Classification: Uncertain significance for TTN-related condition. Last evaluated: 2025-07-08. Review status: criteria provided, single submitter. Criteria: ACMG Guidelines, 2015. Collection method: clinical testing. Allele origin: germline.
Comment: The TTN c.61447_61449delCGT variant is predicted to result in an in-frame deletion (p.Arg20483del). To our knowledge, this variant has not been reported in the literature. This variant is reported in 0.0010% of alleles in individuals of European (Non-Finnish) descent in gnomAD. At this time, the clinical significance of this variant is uncertain due to the absence of conclusive functional and genetic evidence.

Molecular Diagnostic Laboratory for Inherited Cardiovascular Disease, Montreal Heart Institute
Classification: Uncertain significance for Cardiovascular phenotype. Last evaluated: 2025-04-09. Review status: criteria provided, single submitter. Criteria: ACMG Guidelines, 2015. Collection method: clinical testing. Allele origin: germline. Affected: yes.

Molecular Diagnostic Laboratory for Inherited Cardiovascular Disease, Montreal Heart Institute
Classification: Uncertain significance for Conduction disorder of the heart. Last evaluated: 2019-08-20. Review status: criteria provided, single submitter. Criteria: ACMG Guidelines, 2015. Collection method: clinical testing. Allele origin: germline. Affected: yes.